The following is an entry in ClinVar:

NM_000133.4(F9):c.528dup (p.Pro177fs)

Gene: F9 (coagulation factor IX; plus strand). Cytogenetic location: Xq27.1.
Variant type: Duplication.
Coding change: c.528dup on transcript NM_000133.4 (MANE Select); coding-DNA position 528, one base duplicated (T; older notation c.528dupT).
Protein change: p.Pro177fs; shifts the reading frame from proline 177.
Molecular consequence: frameshift variant.
Genome position (GRCh38, 1-based): chrX:139,551,069, T duplicated; the last of 3 consecutive T bases (chrX:139,551,067-139,551,069); duplicating any one gives the same sequence. VCF-style (leftmost placement, unchanged base first): chrX-139551066-A-AT. GRCh37 (hg19) VCF-style: chrX-138633225-A-AT.
Other names: c.414dup, p.Pro139fs (NM_001313913.2); c.528dupT (NM_000133.4); short protein forms P139fs, P177fs.
Identifiers: ClinVar variation 4687832 (VCV004687832.1).

ClinVar aggregate classification (germline): Pathogenic (1 of 4 stars; one submission).

Conditions:
Hereditary factor IX deficiency disease (HEMB). Also called: Christmas Disease; F9 DEFICIENCY; FACTOR IX DEFICIENCY; PLASMA THROMBOPLASTIN COMPONENT DEFICIENCY; Hemophilia B. Identifiers: Orphanet 98879, MedGen C0008533, MeSH D002836, MONDO:0010604, OMIM 306900.

Submission:

Women's Health and Genetics/Laboratory Corporation of America, LabCorp
Classification: Pathogenic for Hereditary factor IX deficiency disease. Last evaluated: 2025-10-22. Review status: criteria provided, single submitter. Criteria: LabCorp Variant Classification Summary - May 2015. Collection method: clinical testing. Allele origin: germline.
Comment: Variant summary: F9 c.528dupT (p.Pro177SerfsX12) results in a premature termination codon, predicted to cause absence of the protein due to nonsense mediated decay, which is a commonly known mechanism for disease. The variant was absent in 183017 control chromosomes. To our knowledge, no occurrence of c.528dupT in individuals affected with F9-related conditions and no experimental evidence demonstrating its impact on protein function have been reported. No submitters have cited clinical-significance assessments for this variant to ClinVar. Based on the evidence outlined above, the variant was classified as pathogenic.